The following is an entry in ClinVar:

NM_003467.3(CXCR4):c.865G>A (p.Ala289Thr)

Gene: CXCR4 (C-X-C motif chemokine receptor 4; minus strand). Cytogenetic location: 2q22.1.
Variant type: single nucleotide variant.
Coding change: c.865G>A on transcript NM_003467.3 (MANE Select); coding-DNA position 865, G replaced by A.
Protein change: p.Ala289Thr; replaces alanine 289 with threonine.
Molecular consequence: missense variant.
Genome position (GRCh38, 1-based): chr2:136,115,063, C>T on the plus strand (G>A on the coding strand, the complement: CXCR4 is on the minus strand). VCF-style: chr2-136115063-C-T. GRCh37 (hg19) VCF-style: chr2-136872633-C-T.
Other names: c.877G>A, p.Ala293Thr (NM_001008540.2); c.1078G>A, p.Ala360Thr (NM_001348056.2); c.964G>A, p.Ala322Thr (NM_001348059.2); c.820G>A, p.Ala274Thr (NM_001348060.2); short protein forms A293T, A322T, A360T, A274T, A289T.
Identifiers: ClinVar variation 2119378 (VCV002119378.4), dbSNP rs1034031817, ClinGen allele CA56886450.
Genomic context (GRCh38, chr2:136,115,063, plus strand): 5'-ATTTGGCTCCAAGGAAAGCATAGAGGATGGGGTTCAGACAACAGTGGAAGAAAGCTAGGG[C>T]CTCGGTGATGGAAATCCACTTGTGCACAGTGTTCTCAAACTCACACCCTTGCTTGATGAT-3'
Protein context (NP_003458.1, residues 279-299): TVHKWISITE[Ala289Thr]LAFFHCCLNP

ClinVar aggregate classification (germline): Uncertain significance (1 of 4 stars; one submission).

Conditions:
Warts, hypogammaglobulinemia, infections, and myelokathexis. Also called: WHIM syndrome. Identifiers: MedGen C0472817, MONDO:0023880.

Allele frequency attached by ClinVar (database versions not stated): gnomAD 0.00001.
gnomAD v4.1: 1 of 1,614,048 alleles (0.000062%); highest among the groups gnomAD compares: Non-Finnish European, 0.000085%; no homozygotes.

Submission:

Labcorp Genetics (formerly Invitae), Labcorp
Classification: Uncertain significance for Warts, hypogammaglobulinemia, infections, and myelokathexis. Last evaluated: 2022-07-13. Review status: criteria provided, single submitter. Criteria: Invitae Variant Classification Sherloc (09022015). Collection method: clinical testing. Allele origin: germline.
Comment: In summary, the available evidence is currently insufficient to determine the role of this variant in disease. Therefore, it has been classified as a Variant of Uncertain Significance. Algorithms developed to predict the effect of missense changes on protein structure and function are either unavailable or do not agree on the potential impact of this missense change (SIFT: "Tolerated"; PolyPhen-2: "Possibly Damaging"; Align-GVGD: "Class C0"). This variant has not been reported in the literature in individuals affected with CXCR4-related conditions. This variant is present in population databases (no rsID available, gnomAD 0.007%). This sequence change replaces alanine, which is neutral and non-polar, with threonine, which is neutral and polar, at codon 289 of the CXCR4 protein (p.Ala289Thr).